The following is an entry in ClinVar:

NM_018136.5(ASPM):c.6983G>A (p.Arg2328Lys)

Gene: ASPM (assembly factor for spindle microtubules; minus strand). Cytogenetic location: 1q31.3.
Variant type: single nucleotide variant.
Coding change: c.6983G>A on transcript NM_018136.5 (MANE Select); coding-DNA position 6983, G replaced by A.
Protein change: p.Arg2328Lys; replaces arginine 2328 with lysine.
Molecular consequence: missense variant. On other transcripts: intron variant (1).
Genome position (GRCh38, 1-based): chr1:197,102,268, C>T on the plus strand (G>A on the coding strand, the complement: ASPM is on the minus strand). VCF-style: chr1-197102268-C-T. GRCh37 (hg19) VCF-style: chr1-197071398-C-T.
Other names: c.4066-6104G>A (NM_001206846.2); short protein forms R2328K.
Identifiers: ClinVar variation 2096541 (VCV002096541.4), dbSNP rs2527294753, ClinGen allele CA344020728.
Genomic context (GRCh38, chr1:197,102,268, plus strand): 5'-TGCATTCTGAAAGTAGACTGGATGAAAGTAGCAGCCCTGTGCATCTCTCGCATCCTTTTC[C>T]TTATCATCCATCTTCTGTATGATGACTGGATTTTAATAACTGCATTTTGTACCTGAAGGA-3'
Protein context (NP_060606.3, residues 2318-2338): IQSSYRRWMI[Arg2328Lys]KRMREMHRAA

ClinVar aggregate classification (germline): Uncertain significance (1 of 4 stars; one submission).

Submission:

Labcorp Genetics (formerly Invitae), Labcorp
Classification: Uncertain significance. Last evaluated: 2022-02-11. Review status: criteria provided, single submitter. Criteria: Invitae Variant Classification Sherloc (09022015). Collection method: clinical testing. Allele origin: germline.
Comment: In summary, the available evidence is currently insufficient to determine the role of this variant in disease. Therefore, it has been classified as a Variant of Uncertain Significance. This sequence change replaces arginine, which is basic and polar, with lysine, which is basic and polar, at codon 2328 of the ASPM protein (p.Arg2328Lys). This variant is not present in population databases (gnomAD no frequency). This variant has not been reported in the literature in individuals affected with ASPM-related conditions. Algorithms developed to predict the effect of missense changes on protein structure and function output the following: SIFT: "Deleterious"; PolyPhen-2: "Benign"; Align-GVGD: "Class C0". The lysine amino acid residue is found in multiple mammalian species, which suggests that this missense change does not adversely affect protein function.